The following is an entry in ClinVar:

NM_001042492.3(NF1):c.256A>C (p.Ile86Leu)

Gene: NF1 (neurofibromin 1; plus strand). Cytogenetic location: 17q11.2.
Variant type: single nucleotide variant.
Coding change: c.256A>C on transcript NM_001042492.3 (MANE Select); coding-DNA position 256, A replaced by C.
Protein change: p.Ile86Leu; replaces isoleucine 86 with leucine.
Molecular consequence: missense variant.
Genome position (GRCh38, 1-based): chr17:31,159,061, A>C. VCF-style: chr17-31159061-A-C. GRCh37 (hg19) VCF-style: chr17-29486079-A-C.
Other names: c.256A>C, p.Ile86Leu (NM_000267.4, NM_001128147.3); short protein forms I86L.
Identifiers: ClinVar variation 2847924 (VCV002847924.3), dbSNP rs757057811, ClinGen allele CA398989701.

ClinVar aggregate classification (germline): Uncertain significance (1 of 4 stars; one submission).

Conditions:
Neurofibromatosis, type 1 (NF1). Also called: VON RECKLINGHAUSEN DISEASE; Neurofibromatosis, type I; Peripheral type neurofibromatosis; NEUROFIBROMATOSIS, TYPE I, SOMATIC. Identifiers: Orphanet 636, MedGen C0027831, MONDO:0018975, OMIM 162200. Disease mechanism: loss of function.

gnomAD v4.1: 2 of 1,609,168 alleles (0.00012%); highest among the groups gnomAD compares: Admixed American, 0.0033%; 1 homozygote.

Submission:

Labcorp Genetics (formerly Invitae), Labcorp
Classification: Uncertain significance for Neurofibromatosis, type 1. Last evaluated: 2025-04-14. Review status: criteria provided, single submitter. Criteria: Invitae Variant Classification Sherloc (09022015). Collection method: clinical testing. Allele origin: germline.
Comment: This sequence change replaces isoleucine, which is neutral and non-polar, with leucine, which is neutral and non-polar, at codon 86 of the NF1 protein (p.Ile86Leu). This variant is not present in population databases (gnomAD no frequency). This variant has not been reported in the literature in individuals affected with NF1-related conditions. ClinVar contains an entry for this variant (Variation ID: 2847924). Invitae Evidence Modeling of protein sequence and biophysical properties (such as structural, functional, and spatial information, amino acid conservation, physicochemical variation, residue mobility, and thermodynamic stability) indicates that this missense variant is expected to disrupt NF1 protein function with a positive predictive value of 95%. In summary, the available evidence is currently insufficient to determine the role of this variant in disease. Therefore, it has been classified as a Variant of Uncertain Significance.